The following is an entry in ClinVar:

ClinVar aggregate classification (germline): Likely pathogenic (1 of 4 stars; one submission).

Conditions:
Neurodevelopmental disorder with hypotonia, language delay, and skeletal defects with or without seizures (NEDHLSS). Identifiers: MedGen C5774213, MONDO:0859286, OMIM 620029.

Submission:

3billion
Classification: Likely pathogenic for Neurodevelopmental disorder with hypotonia, language delay, and skeletal defects with or without seizures. Last evaluated: 2023-08-01. Review status: criteria provided, single submitter. Criteria: ACMG Guidelines, 2015. Collection method: clinical testing. Allele origin: germline. Affected: yes.
Comment: The variant is not observed in the gnomAD v2.1.1 dataset. Predicted Consequence/Location: Canonical splice site: predicted to alter splicing and result in a loss or disruption of normal protein function. Multiple pathogenic loss-of-function variants are reported downstream of the variant. Therefore, this variant is classified as Likely pathogenic according to the recommendation of ACMG/AMP guideline.

NM_000719.7(CACNA1C):c.2224+1G>C

Gene: CACNA1C (calcium voltage-gated channel subunit alpha1 C; plus strand). Cytogenetic location: 12p13.33.
Variant type: single nucleotide variant.
Coding change: c.2224+1G>C on transcript NM_000719.7 (MANE Select); the canonical splice donor site of the intron after coding-DNA position 2224, G replaced by C.
Molecular consequence: splice donor variant.
Genome position (GRCh38, 1-based): chr12:2,582,943, G>C. VCF-style: chr12-2582943-G-C. GRCh37 (hg19) VCF-style: chr12-2692109-G-C.
Other names: c.2224+1G>C (NM_001167624.3, NM_001167623.2, NM_001167625.2 and 18 more transcripts); c.2215+1G>C (NM_001129844.2).
Identifiers: ClinVar variation 3775665 (VCV003775665.1).